The following is an entry in ClinVar:

ClinVar aggregate classification (germline): Uncertain significance. Review status: criteria provided, multiple submitters, no conflicts (2 of 4 stars). 2 submissions from 2 submitters: Uncertain significance (2). Last evaluated 2024-07-22.

Submissions (2):

Labcorp Genetics (formerly Invitae), Labcorp
Classification: Uncertain significance. Last evaluated: 2024-07-22. Review status: criteria provided, single submitter. Criteria: Invitae Variant Classification Sherloc (09022015). Collection method: clinical testing. Allele origin: germline.
Comment: This sequence change replaces valine, which is neutral and non-polar, with alanine, which is neutral and non-polar, at codon 167 of the KCNK4 protein (p.Val167Ala). This variant is not present in population databases (gnomAD no frequency). This variant has not been reported in the literature in individuals affected with KCNK4-related conditions. ClinVar contains an entry for this variant (Variation ID: 2663160). An algorithm developed to predict the effect of missense changes on protein structure and function (PolyPhen-2) suggests that this variant is likely to be tolerated. In summary, the available evidence is currently insufficient to determine the role of this variant in disease. Therefore, it has been classified as a Variant of Uncertain Significance.

GeneDx
Classification: Uncertain significance. Last evaluated: 2024-07-12. Review status: criteria provided, single submitter. Criteria: GeneDx Variant Classification Process June 2021. Collection method: clinical testing. Allele origin: germline.
Comment: Not observed at significant frequency in large population cohorts (gnomAD); In silico analysis supports that this missense variant has a deleterious effect on protein structure/function; Has not been previously published as pathogenic or benign to our knowledge

NM_033310.3(KCNK4):c.500T>C (p.Val167Ala)

Genes: KCNK4 (potassium two pore domain channel subfamily K member 4; plus strand), KCNK4-CATSPERZ (KCNK4-CATSPERZ readthrough (NMD candidate); plus strand). Cytogenetic location: 11q13.1.
Variant type: single nucleotide variant.
Coding change: c.500T>C on transcript NM_033310.3 (MANE Select); coding-DNA position 500, T replaced by C.
Protein change: p.Val167Ala; replaces valine 167 with alanine.
Molecular consequence: missense variant. On other transcripts: non-coding transcript variant (1).
Genome position (GRCh38, 1-based): chr11:64,297,492, T>C. VCF-style: chr11-64297492-T-C. GRCh37 (hg19) VCF-style: chr11-64064964-T-C.
Other names: c.500T>C, p.Val167Ala (NM_001317090.2, NM_033311.1); short protein forms V167A.
Identifiers: ClinVar variation 2663160 (VCV002663160.5), dbSNP rs2495690134, ClinGen allele CA381165564.